The following is an entry in ClinVar:

NC_000017.10:g.(?_411907)_(489605_505034)dup

Gene: VPS53 (VPS53 subunit of GARP complex; minus strand). Cytogenetic location: 17p13.3.
Variant type: Duplication.
Identifiers: ClinVar variation 4525896 (VCV004525896.1).

ClinVar aggregate classification (germline): Uncertain significance (1 of 4 stars; one submission).

Submission:

Women's Health and Genetics/Laboratory Corporation of America, LabCorp
Classification: Uncertain significance. Last evaluated: 2025-07-15. Review status: criteria provided, single submitter. Criteria: LabCorp Variant Classification Summary - May 2015. Collection method: clinical testing. Allele origin: germline.
Comment: Variant summary: The variant involves the duplication of exons 13-22 in the VPS53 gene. A presumed nomenclature of c.(1218+1_1219-1)_(*10461_?)dup has been designated for the purposes of this classification. The exact breakpoint at the 3' end of this variant is unknown, therefore this duplication may extend downstream of the annotated region of the gene. As it duplicates the termination codon, its effect on the encoded protein is unknown. The variant was absent in 21606 control chromosomes. The available data on variant occurrences in the general population are insufficient to allow any conclusion about variant significance. To our knowledge, no occurrence of c.(1218+1_1219-1)_(*10461_?)dup in individuals affected with Pontocerebellar Hypoplasia, Type 2E and no experimental evidence demonstrating its impact on protein function have been reported. No submitters have cited clinical-significance assessments for this variant to ClinVar. Based on the evidence outlined above, the variant was classified as uncertain significance.